The following is an entry in ClinVar:

NM_014994.3(MAPKBP1):c.3304C>T (p.Arg1102Cys)

Gene: MAPKBP1 (mitogen-activated protein kinase binding protein 1; plus strand). Cytogenetic location: 15q15.1.
Variant type: single nucleotide variant.
Coding change: c.3304C>T on transcript NM_014994.3 (MANE Select); coding-DNA position 3304, C replaced by T.
Protein change: p.Arg1102Cys; replaces arginine 1102 with cysteine.
Molecular consequence: missense variant. On other transcripts: non-coding transcript variant (2).
Genome position (GRCh38, 1-based): chr15:41,822,667, C>T. VCF-style: chr15-41822667-C-T. GRCh37 (hg19) VCF-style: chr15-42114865-C-T.
Other names: c.3322C>T, p.Arg1108Cys (NM_001128608.2); c.3304C>T, p.Arg1102Cys (NM_001265611.2); short protein forms R1102C, R1108C.
Identifiers: ClinVar variation 917948 (VCV000917948.7), dbSNP rs141086610, ClinGen allele CA7498534.
Genomic context (GRCh38, chr15:41,822,667, plus strand): 5'-GTCCCAGAGAGGTCAGAGTCTCGGAGTATCTCTTCACGATTCCTGTTGCAAGTACAGACC[C>T]GCCCACTCAGGTACAGAGGCCCCCTACCCCCCAGCAGCAGCTCTGGCTCTCCTCGCCTCC-3'
Protein context (NP_055809.2, residues 1092-1112): SSRFLLQVQT[Arg1102Cys]PLREPSPSSS

ClinVar aggregate classification (germline): Uncertain significance. Review status: criteria provided, multiple submitters, no conflicts (2 of 4 stars). 3 submissions from 3 submitters: Uncertain significance (2). 1 of the submissions does not count toward it. Last evaluated 2024-11-18.

Conditions:
Nephronophthisis 20 (NPHP20). Identifiers: MedGen C4310640, MONDO:0014997, OMIM 617271.

Allele frequency attached by ClinVar (database versions not stated): ESP Exome Variant Server 0.00031; ExAC 0.00012; TOPMed 0.00045; gnomAD exomes 0.00005 and 0.00010; gnomAD 0.00045 and 0.00048.
gnomAD v4.1: 135 of 1,613,948 alleles (0.0084%); highest among the groups gnomAD compares: African/African-American, 0.14%; no homozygotes.

Submissions (3):

Dasa
Classification: Uncertain significance for Nephronophthisis 20. Last evaluated: 2024-11-18. Review status: criteria provided, single submitter. Criteria: DASA Assertion Criteria. Collection method: clinical testing. Allele origin: germline.
Comment: NM_014994.3(MAPKBP1):c.3304C>T (p.Arg1102Cys) is a missense variant that results in the substitution of arginine with cysteine. This variant has been observed in affected individuals with MAPKBP1-related disorders. Also, this variant is rare in population databases. Computational prediction algorithms are consistent with a benign effect. The currently available literature and clinical evidence are not sufficient to establish a definitive association between this variant and the reported condition. Therefore, this variant is classified as a variant of uncertain significance.

Labcorp Genetics (formerly Invitae), Labcorp
Classification: Uncertain significance. Last evaluated: 2022-09-13. Review status: criteria provided, single submitter. Criteria: Invitae Variant Classification Sherloc (09022015). Collection method: clinical testing. Allele origin: germline.
Comment: In summary, the available evidence is currently insufficient to determine the role of this variant in disease. Therefore, it has been classified as a Variant of Uncertain Significance. Algorithms developed to predict the effect of missense changes on protein structure and function (SIFT, PolyPhen-2, Align-GVGD) all suggest that this variant is likely to be tolerated. ClinVar contains an entry for this variant (Variation ID: 917948). This variant is also known as c.3304C>T (p.Arg1102Cys). This missense change has been observed in individual(s) with nephronophthisis (PMID: 32055034). This variant is present in population databases (rs141086610, gnomAD 0.1%). This sequence change replaces arginine, which is basic and polar, with cysteine, which is neutral and slightly polar, at codon 1108 of the MAPKBP1 protein (p.Arg1108Cys).

Genomic Medicine Center of Excellence, King Faisal Specialist Hospital and Research Centre
Classification: Likely pathogenic for Nephronophthisis 20. Review status: no assertion criteria provided. Collection method: research. Allele origin: germline. Affected: yes. Not counted in ClinVar's aggregate classification.

Literature cited by the submitters: PubMed 32055034 (cited by Labcorp Genetics (formerly Invitae), Labcorp).